The following is an entry in ClinVar:

ClinVar aggregate classification (germline): Likely pathogenic (1 of 4 stars; one submission).

Conditions:
Seizures, benign familial infantile, 3 (BFIS3). Also called: CONVULSIONS, BENIGN FAMILIAL INFANTILE, 3; Familial neonatal seizures. Identifiers: Orphanet 140927, Orphanet 306, MedGen C1843140, MONDO:0011904, OMIM 607745.
Developmental and epileptic encephalopathy, 11 (DEE11). Also called: Early infantile epileptic encephalopathy 11. Identifiers: Orphanet 1934, MedGen C3150987, MONDO:0013388, OMIM 613721.

Submission:

Labcorp Genetics (formerly Invitae), Labcorp
Classification: Likely pathogenic for Seizures, benign familial infantile, 3; Developmental and epileptic encephalopathy, 11. Last evaluated: 2023-02-27. Review status: criteria provided, single submitter. Criteria: Invitae Variant Classification Sherloc (09022015). Collection method: clinical testing. Allele origin: germline.
Comment: In summary, the currently available evidence indicates that the variant is pathogenic, but additional data are needed to prove that conclusively. Therefore, this variant has been classified as Likely Pathogenic. This variant disrupts the p.Glu1803 amino acid residue in SCN2A. Other variant(s) that disrupt this residue have been determined to be pathogenic (PMID: 30552426). This suggests that this residue is clinically significant, and that variants that disrupt this residue are likely to be disease-causing. Advanced modeling of protein sequence and biophysical properties (such as structural, functional, and spatial information, amino acid conservation, physicochemical variation, residue mobility, and thermodynamic stability) performed at Invitae indicates that this missense variant is expected to disrupt SCN2A protein function. This variant has not been reported in the literature in individuals affected with SCN2A-related conditions. This variant is not present in population databases (gnomAD no frequency). This sequence change replaces glutamic acid, which is acidic and polar, with valine, which is neutral and non-polar, at codon 1803 of the SCN2A protein (p.Glu1803Val).

Literature cited by the submitters: PubMed 30552426.

NM_001040142.2(SCN2A):c.5408A>T (p.Glu1803Val)

Gene: SCN2A (sodium voltage-gated channel alpha subunit 2; plus strand). Cytogenetic location: 2q24.3.
Variant type: single nucleotide variant.
Coding change: c.5408A>T on transcript NM_001040142.2 (MANE Select); coding-DNA position 5408, A replaced by T.
Protein change: p.Glu1803Val; replaces glutamic acid 1803 with valine.
Molecular consequence: missense variant.
Genome position (GRCh38, 1-based): chr2:165,389,214, A>T. VCF-style: chr2-165389214-A-T. GRCh37 (hg19) VCF-style: chr2-166245724-A-T.
Other names: c.5408A>T, p.Glu1803Val (NM_001040143.2, NM_001371246.1, NM_001371247.1 and 1 more transcripts); short protein forms E1803V.
Identifiers: ClinVar variation 2944788 (VCV002944788.3), dbSNP rs2468159089, ClinGen allele CA349038917.